The following is an entry in ClinVar:

NM_144687.4(NLRP12):c.1182C>A (p.Asn394Lys)

Gene: NLRP12 (NLR family pyrin domain containing 12; minus strand). Cytogenetic location: 19q13.42.
Variant type: single nucleotide variant.
Coding change: c.1182C>A on transcript NM_144687.4 (MANE Select); coding-DNA position 1182, C replaced by A.
Protein change: p.Asn394Lys; replaces asparagine 394 with lysine.
Molecular consequence: missense variant.
Genome position (GRCh38, 1-based): chr19:53,810,477, G>T on the plus strand (C>A on the coding strand, the complement: NLRP12 is on the minus strand). VCF-style: chr19-53810477-G-T. GRCh37 (hg19) VCF-style: chr19-54313731-G-T.
Other names: c.1182C>A, p.Asn394Lys (NM_001277126.2, NM_001277129.1); short protein forms N394K.
Identifiers: ClinVar variation 423851 (VCV000423851.2), dbSNP rs201241894, ClinGen allele CA16620906.

ClinVar aggregate classification (germline): Uncertain significance (1 of 4 stars; one submission).

gnomAD v4.1: 2 of 1,613,984 alleles (0.00012%); no homozygotes.

Submission:

GeneDx
Classification: Uncertain significance. Last evaluated: 2017-02-28. Review status: criteria provided, single submitter. Criteria: GeneDx Variant Classification (06012015). Collection method: clinical testing. Allele origin: germline. Affected: yes.
Comment: The N394K variant in the NLRP12 gene has not been reported previously as a pathogenic variant, nor as a benign variant, to our knowledge. The N394K variant is not observed in large population cohorts (Lek et al., 2016; 1000 Genomes Consortium et al., 2015; Exome Variant Server). The N394K variant is a semi-conservative amino acid substitution, which may impact secondary protein structure as these residues differ in some properties. This substitution occurs at a position that is not conserved. In silico analysis is inconsistent in its predictions as to whether or not the variant is damaging to the protein structure/function. We interpret N394K as a variant of uncertain significance.